The following is an entry in ClinVar:

NM_012452.3(TNFRSF13B):c.141C>A (p.Cys47Ter)

Gene: TNFRSF13B (TNF receptor superfamily member 13B; minus strand). Cytogenetic location: 17p11.2.
Variant type: single nucleotide variant.
Coding change: c.141C>A on transcript NM_012452.3 (MANE Select); coding-DNA position 141, C replaced by A.
Protein change: p.Cys47Ter; replaces cysteine 47 with a stop codon.
Molecular consequence: nonsense.
Genome position (GRCh38, 1-based): chr17:16,952,504, G>T on the plus strand (C>A on the coding strand, the complement: TNFRSF13B is on the minus strand). VCF-style: chr17-16952504-G-T. GRCh37 (hg19) VCF-style: chr17-16855818-G-T.
Other names: short protein forms C47*.
Identifiers: ClinVar variation 4531637 (VCV004531637.1).

ClinVar aggregate classification (germline): Pathogenic (1 of 4 stars; one submission).

Conditions:
Immunodeficiency, common variable, 2 (CVID2). Also called: ANTIBODY DEFICIENCY DUE TO TACI DEFECT; HYPOGAMMAGLOBULINEMIA DUE TO TACI DEFICIENCY. Identifiers: Orphanet 1572, MedGen C3150354, MONDO:0009413, OMIM 240500.

gnomAD v4.1: 4 of 1,614,070 alleles (0.00025%); highest among the groups gnomAD compares: Non-Finnish European, 0.00025%; no homozygotes.

Submission:

Victorian Clinical Genetics Services, Murdoch Childrens Research Institute
Classification: Pathogenic for Immunodeficiency, common variable, 2. Last evaluated: 2025-03-12. Review status: criteria provided, single submitter. Criteria: ACMG Guidelines, 2015. Collection method: clinical testing. Allele origin: germline. Affected: yes.
Comment: This variant is classified as Pathogenic. Evidence in support of pathogenic classification: Variant is predicted to cause nonsense-mediated decay (NMD) and loss of protein (premature termination codon is located at least 54 nucleotides upstream of the final exon-exon junction); Variant is present in gnomAD <0.01 (v4: 4 heterozygote(s), 0 homozygote(s)); Other NMD-predicted variant(s) comparable to the one identified in this case have very strong previous evidence for pathogenicity (DECIPHER); Additional information: This variant is heterozygous; This gene is associated with both recessive and dominant disease (OMIM); This variant has no previous evidence of pathogenicity; No published segregation evidence has been identified for this variant; No published functional evidence has been identified for this variant; Loss of function is a known mechanism of disease in this gene and is associated with common variable immunodeficiency 2 (MIM#240500) and immunoglobulin A deficiency 2 (MIM#609529); The condition associated with this gene has incomplete penetrance. Asymptomatic individuals with monoallelic or biallelic variants have been reported (PMIDs: 34210994, 34441032); Variants in this gene are known to have variable expressivity (PMID: 34210994).

Literature cited by the submitters: PubMed 34210994; PubMed 34441032.